The following is an entry in ClinVar:

ClinVar aggregate classification (germline): Likely benign. Review status: criteria provided, multiple submitters, no conflicts (2 of 4 stars). 2 submissions from 2 submitters: Likely benign (2). Last evaluated 2026-07-01.

Conditions:
Charcot-Marie-Tooth disease axonal type 2O. Also called: CHARCOT-MARIE-TOOTH NEUROPATHY, AXONAL, TYPE 2O; CHARCOT-MARIE-TOOTH DISEASE, AXONAL, AUTOSOMAL DOMINANT, TYPE 2O; Charcot-Marie-Tooth Neuropathy Type 2O; Charcot-Marie-Tooth disease, axonal, type 20. Identifiers: Orphanet 284232, MedGen C3280220, MONDO:0013644, OMIM 614228.

Allele frequency attached by ClinVar (database versions not stated): ExAC 0.00001; gnomAD exomes 0.00001; gnomAD 0.00002; TOPMed 0.00002; ESP Exome Variant Server 0.00008.
gnomAD v4.1: 14 of 1,614,028 alleles (0.00087%); highest among the groups gnomAD compares: African/African-American, 0.0053%; no homozygotes.

Submissions (2):

CeGaT Center for Human Genetics Tuebingen
Classification: Likely benign. Last evaluated: 2026-07-01. Review status: criteria provided, single submitter. Criteria: CeGaT Center For Human Genetics Tuebingen Variant Classification Criteria Version 2. Collection method: clinical testing. Allele origin: germline. Affected: yes. Observed: 1 variant allele.
Comment: DYNC1H1: BP4, BP7

Labcorp Genetics (formerly Invitae), Labcorp
Classification: Likely benign for Charcot-Marie-Tooth disease axonal type 2O. Last evaluated: 2025-07-23. Review status: criteria provided, single submitter. Criteria: Invitae Variant Classification Sherloc (09022015). Collection method: clinical testing. Allele origin: germline.

NM_001376.5(DYNC1H1):c.12951G>A (p.Thr4317=)

Gene: DYNC1H1 (dynein cytoplasmic 1 heavy chain 1; plus strand). Cytogenetic location: 14q32.31.
Variant type: single nucleotide variant.
Coding change: c.12951G>A on transcript NM_001376.5 (MANE Select); coding-DNA position 12951, G replaced by A.
Protein change: p.Thr4317=; no amino-acid change (threonine 4317 retained).
Molecular consequence: synonymous variant.
Genome position (GRCh38, 1-based): chr14:102,044,643, G>A. VCF-style: chr14-102044643-G-A. GRCh37 (hg19) VCF-style: chr14-102510980-G-A.
Identifiers: ClinVar variation 1593824 (VCV001593824.32), dbSNP rs141273501, ClinGen allele CA7354084.